The following is an entry in ClinVar:

NM_001349798.2(FBXW7):c.726+2_726+5dup

Gene: FBXW7 (F-box and WD repeat domain containing 7; minus strand). Cytogenetic location: 4q31.3.
Variant type: Duplication.
Coding change: c.726+2_726+5dup on transcript NM_001349798.2 (MANE Select); the canonical splice donor site of the intron after coding-DNA position 726 through 5 bases into the intron after coding-DNA position 726, 4 bases duplicated (TGAC; older notation c.726+2_726+5dupTGAC).
Molecular consequence: splice donor variant.
Genome position (GRCh38, 1-based): chr4:152,346,925-152,346,928, GTCA duplicated on the plus strand (TGAC on the coding strand, the reverse complement: FBXW7 is on the minus strand). VCF-style (leftmost placement, unchanged base first): chr4-152346924-T-TGTCA. GRCh37 (hg19) VCF-style: chr4-153268076-T-TGTCA.
Other names: c.372+2_372+5dup (NM_001013415.2); c.486+2_486+5dup (NM_018315.5); c.726+2_726+5dup (NM_033632.3).
Identifiers: ClinVar variation 2702155 (VCV002702155.3), dbSNP rs2530350466, ClinGen allele CA2697546967.

ClinVar aggregate classification (germline): Uncertain significance (1 of 4 stars; one submission).

Submission:

Labcorp Genetics (formerly Invitae), Labcorp
Classification: Uncertain significance. Last evaluated: 2023-12-19. Review status: criteria provided, single submitter. Criteria: Invitae Variant Classification Sherloc (09022015). Collection method: clinical testing. Allele origin: germline.
Comment: This sequence change falls in intron 4 of the FBXW7 gene. It does not directly change the encoded amino acid sequence of the FBXW7 protein. It affects a nucleotide within the consensus splice site. This variant is not present in population databases (gnomAD no frequency). This variant has not been reported in the literature in individuals affected with FBXW7-related conditions. Variants that disrupt the consensus splice site are a relatively common cause of aberrant splicing (PMID: 17576681, 9536098). Algorithms developed to predict the effect of sequence changes on RNA splicing suggest that this variant is not likely to affect RNA splicing. In summary, the available evidence is currently insufficient to determine the role of this variant in disease. Therefore, it has been classified as a Variant of Uncertain Significance.

Literature cited by the submitters: PubMed 17576681; PubMed 9536098.